The following is an entry in ClinVar:

NM_006610.4(MASP2):c.612G>T (p.Pro204=)

Gene: MASP2 (MBL associated serine protease 2; minus strand). Cytogenetic location: 1p36.22.
Variant type: single nucleotide variant.
Coding change: c.612G>T on transcript NM_006610.4 (MANE Select); coding-DNA position 612, G replaced by T.
Protein change: p.Pro204=; no amino-acid change (proline 204 retained).
Molecular consequence: synonymous variant.
Genome position (GRCh38, 1-based): chr1:11,043,468, C>A on the plus strand (G>T on the coding strand, the complement: MASP2 is on the minus strand). VCF-style: chr1-11043468-C-A. GRCh37 (hg19) VCF-style: chr1-11103525-C-A.
Identifiers: ClinVar variation 5005749 (VCV005005749.2), dbSNP rs72550853.

ClinVar aggregate classification (germline): Uncertain significance (1 of 4 stars; one submission).

Conditions:
Immunodeficiency due to MASP-2 deficiency. Also called: LECTIN COMPLEMENT ACTIVATION PATHWAY, DEFECT IN, 2; MASP2 deficiency. Identifiers: Orphanet 331187, MedGen C3151085, MONDO:0013423, OMIM 613791.

Allele frequency attached by ClinVar (database versions not stated): TOPMed 0.00002.
gnomAD v4.1: 14 of 1,610,064 alleles (0.00087%); highest among the groups gnomAD compares: East Asian, 0.027%; no homozygotes.

Submission:

Juno Genomics, Hangzhou Juno Genomics, Inc
Classification: Uncertain significance for Immunodeficiency due to MASP-2 deficiency. Review status: criteria provided, single submitter. Criteria: ACMG Guidelines, 2015. Collection method: clinical testing. Allele origin: germline.
Comment: Absent from controls (or at extremely low frequency if recessive) in Genome Aggregation Database.;Multiple lines of computational evidence support a deleterious effect on the gene or gene product.